The following is an entry in ClinVar:

ClinVar aggregate classification (germline): Uncertain significance (1 of 4 stars; one submission).

Allele frequency attached by ClinVar (database versions not stated): gnomAD 0.00001; TOPMed 0.00001; gnomAD exomes 0.00002; ExAC 0.00003.
gnomAD v4.1: 14 of 1,613,170 alleles (0.00087%); highest among the groups gnomAD compares: Admixed American, 0.0067%; no homozygotes.

Submission:

Labcorp Genetics (formerly Invitae), Labcorp
Classification: Uncertain significance. Last evaluated: 2025-05-10. Review status: criteria provided, single submitter. Criteria: Invitae Variant Classification Sherloc (09022015). Collection method: clinical testing. Allele origin: germline.
Comment: This sequence change replaces isoleucine, which is neutral and non-polar, with threonine, which is neutral and polar, at codon 184 of the CFH protein (p.Ile184Thr). This variant is present in population databases (rs765263611, gnomAD 0.009%). This variant has not been reported in the literature in individuals affected with CFH-related conditions. ClinVar contains an entry for this variant (Variation ID: 2181560). An algorithm developed to predict the effect of missense changes on protein structure and function (PolyPhen-2) suggests that this variant is likely to be tolerated. In summary, the available evidence is currently insufficient to determine the role of this variant in disease. Therefore, it has been classified as a Variant of Uncertain Significance.

NM_000186.4(CFH):c.551T>C (p.Ile184Thr)

Gene: CFH (complement factor H; plus strand). Cytogenetic location: 1q31.3.
Variant type: single nucleotide variant.
Coding change: c.551T>C on transcript NM_000186.4 (MANE Select); coding-DNA position 551, T replaced by C.
Protein change: p.Ile184Thr; replaces isoleucine 184 with threonine.
Molecular consequence: missense variant.
Genome position (GRCh38, 1-based): chr1:196,677,599, T>C. VCF-style: chr1-196677599-T-C. GRCh37 (hg19) VCF-style: chr1-196646729-T-C.
Other names: c.551T>C, p.Ile184Thr (NM_001014975.3); short protein forms I184T.
Identifiers: ClinVar variation 2181560 (VCV002181560.4), dbSNP rs765263611, ClinGen allele CA1305088.